The following is an entry in ClinVar:

ClinVar aggregate classification (germline): Likely pathogenic (1 of 4 stars; one submission).

Submission:

Labcorp Genetics (formerly Invitae), Labcorp
Classification: Likely pathogenic. Last evaluated: 2025-04-01. Review status: criteria provided, single submitter. Criteria: Invitae Variant Classification Sherloc (09022015). Collection method: clinical testing. Allele origin: germline.
Comment: This sequence change affects a donor splice site in intron 1 of the TRAIP gene. It is expected to disrupt RNA splicing. Variants that disrupt the donor or acceptor splice site typically lead to a loss of protein function (PMID: 16199547), and loss-of-function variants in TRAIP are known to be pathogenic (PMID: 26595769, 31974414). This variant is present in population databases (rs779074741, gnomAD 0.02%). This variant has not been reported in the literature in individuals affected with TRAIP-related conditions. Algorithms developed to predict the effect of sequence changes on RNA splicing suggest that this variant may disrupt the consensus splice site. In summary, the currently available evidence indicates that the variant is pathogenic, but additional data are needed to prove that conclusively. Therefore, this variant has been classified as Likely Pathogenic.

Literature cited by the submitters: PubMed 16199547; PubMed 26595769; PubMed 31974414.

NM_005879.3(TRAIP):c.98+2T>G

Gene: TRAIP (TRAF interacting protein; minus strand). Cytogenetic location: 3p21.31.
Variant type: single nucleotide variant.
Coding change: c.98+2T>G on transcript NM_005879.3 (MANE Select); the canonical splice donor site of the intron after coding-DNA position 98, T replaced by G.
Molecular consequence: splice donor variant.
Genome position (GRCh38, 1-based): chr3:49,856,354, A>C on the plus strand (T>G on the coding strand, the complement: TRAIP is on the minus strand). VCF-style: chr3-49856354-A-C. GRCh37 (hg19) VCF-style: chr3-49893787-A-C.
Identifiers: ClinVar variation 4696593 (VCV004696593.1).